The following is an entry in ClinVar:

ClinVar aggregate classification (germline): Uncertain significance. Review status: criteria provided, multiple submitters, no conflicts (2 of 4 stars). 2 submissions from 2 submitters: Uncertain significance (2). Last evaluated 2024-09-18.

Conditions:
Hereditary cancer-predisposing syndrome. Also called: Hereditary neoplastic syndrome; Tumor predisposition; Neoplastic Syndromes, Hereditary; Hereditary Cancer Syndrome. Identifiers: Orphanet 140162, MedGen C0027672, MeSH D009386, MONDO:0015356.
Multiple endocrine neoplasia type 4. Also called: MULTIPLE ENDOCRINE NEOPLASIA, TYPE IV. Identifiers: Orphanet 276152, MedGen C1970712, MONDO:0012552, OMIM 610755.

Submissions (2):

Ambry Genetics
Classification: Uncertain significance for Hereditary cancer-predisposing syndrome. Last evaluated: 2024-09-18. Review status: criteria provided, single submitter. Criteria: Ambry Variant Classification Scheme 2023. Collection method: clinical testing. Allele origin: germline.
Comment: The p.D44N variant (also known as c.130G>A), located in coding exon 1 of the CDKN1B gene, results from a G to A substitution at nucleotide position 130. The aspartic acid at codon 44 is replaced by asparagine, an amino acid with highly similar properties. This amino acid position is well conserved in available vertebrate species. In addition, the in silico prediction for this alteration is inconclusive. Based on the available evidence, the clinical significance of this variant remains unclear.

Labcorp Genetics (formerly Invitae), Labcorp
Classification: Uncertain significance for Multiple endocrine neoplasia type 4. Last evaluated: 2021-04-15. Review status: criteria provided, single submitter. Criteria: Invitae Variant Classification Sherloc (09022015). Collection method: clinical testing. Allele origin: germline.
Comment: This variant has not been reported in the literature in individuals with CDKN1B-related conditions. This variant is not present in population databases (ExAC no frequency). This sequence change replaces aspartic acid with asparagine at codon 44 of the CDKN1B protein (p.Asp44Asn). The aspartic acid residue is highly conserved and there is a small physicochemical difference between aspartic acid and asparagine. Algorithms developed to predict the effect of missense changes on protein structure and function are either unavailable or do not agree on the potential impact of this missense change (SIFT: "Deleterious"; PolyPhen-2: "Possibly Damaging"; Align-GVGD: "Class C15"). In summary, the available evidence is currently insufficient to determine the role of this variant in disease. Therefore, it has been classified as a Variant of Uncertain Significance.

NM_004064.5(CDKN1B):c.130G>A (p.Asp44Asn)

Gene: CDKN1B (cyclin dependent kinase inhibitor 1B; plus strand). Cytogenetic location: 12p13.1.
Variant type: single nucleotide variant.
Coding change: c.130G>A on transcript NM_004064.5 (MANE Select); coding-DNA position 130, G replaced by A.
Protein change: p.Asp44Asn; replaces aspartic acid 44 with asparagine.
Molecular consequence: missense variant.
Genome position (GRCh38, 1-based): chr12:12,717,969, G>A. VCF-style: chr12-12717969-G-A. GRCh37 (hg19) VCF-style: chr12-12870903-G-A.
Other names: c.130G>A (NM_004064.3); short protein forms D44N.
Identifiers: ClinVar variation 1483471 (VCV001483471.9), dbSNP rs2136355606, ClinGen allele CA383968839.